The following is an entry in ClinVar:

ClinVar aggregate classification (germline): Uncertain significance. Review status: criteria provided, multiple submitters, no conflicts (2 of 4 stars). 2 submissions from 2 submitters: Uncertain significance (2). Last evaluated 2025-01-01.

Conditions:
Inborn genetic diseases. Identifiers: MedGen C0950123, MeSH D030342.

gnomAD v4.1: 2 of 1,585,366 alleles (0.00013%); highest among the groups gnomAD compares: Non-Finnish European, 0.00017%; no homozygotes.

Submissions (2):

Ambry Genetics
Classification: Uncertain significance for Inborn genetic diseases. Last evaluated: 2025-01-01. Review status: criteria provided, single submitter. Criteria: Ambry Variant Classification Scheme 2023. Collection method: clinical testing. Allele origin: germline.
Comment: The p.A383V variant (also known as c.1148C>T), located in coding exon 10 of the PAX5 gene, results from a C to T substitution at nucleotide position 1148. The alanine at codon 383 is replaced by valine, an amino acid with similar properties. This amino acid position is conserved. In addition, the in silico prediction for this alteration is inconclusive. Based on the available evidence, the clinical significance of this variant remains unclear.

GeneDx
Classification: Uncertain significance. Last evaluated: 2024-06-18. Review status: criteria provided, single submitter. Criteria: GeneDx Variant Classification Process June 2021. Collection method: clinical testing. Allele origin: germline. Affected: yes.
Comment: Not observed at significant frequency in large population cohorts (gnomAD); In silico analysis indicates that this missense variant does not alter protein structure/function; Has not been previously published as pathogenic or benign to our knowledge

NM_016734.3(PAX5):c.1148C>T (p.Ala383Val)

Gene: PAX5 (paired box 5; minus strand). Cytogenetic location: 9p13.2.
Variant type: single nucleotide variant.
Coding change: c.1148C>T on transcript NM_016734.3 (MANE Select); coding-DNA position 1148, C replaced by T.
Protein change: p.Ala383Val; replaces alanine 383 with valine.
Molecular consequence: missense variant. On other transcripts: nonsense (2), non-coding transcript variant (2).
Genome position (GRCh38, 1-based): chr9:36,840,588, G>A on the plus strand (C>T on the coding strand, the complement: PAX5 is on the minus strand). VCF-style: chr9-36840588-G-A. GRCh37 (hg19) VCF-style: chr9-36840585-G-A.
Other names: c.1046C>T, p.Ala349Val (NM_001280547.2); c.1061C>T, p.Ala354Val (NM_001280548.2); c.916C>T, p.Gln306Ter (NM_001280549.2); c.829C>T, p.Gln277Ter (NM_001280550.2); c.635C>T, p.Ala212Val (NM_001280551.2); c.959C>T, p.Ala320Val (NM_001280552.2); c.932C>T, p.Ala311Val (NM_001280553.2); c.1019C>T, p.Ala340Val (NM_001280554.2); and 3 more; short protein forms A212V, A275V, A283V, A311V, A320V, A340V, A349V, A354V.
Identifiers: ClinVar variation 3391573 (VCV003391573.2).